The following is an entry in ClinVar:

ClinVar aggregate classification (germline): Uncertain significance (1 of 4 stars; one submission).

Conditions:
BAP1-related tumor predisposition syndrome (TPDS1). Also called: COMMON Syndrome; Tumor susceptibility linked to germline BAP1 mutations; BAP1 tumor predisposition syndrome; TUMOR PREDISPOSITION SYNDROME 1. Identifiers: Orphanet 289539, MedGen C3280492, MONDO:0013692, OMIM 614327.

Submission:

Labcorp Genetics (formerly Invitae), Labcorp
Classification: Uncertain significance for BAP1-related tumor predisposition syndrome. Last evaluated: 2023-01-31. Review status: criteria provided, single submitter. Criteria: Invitae Variant Classification Sherloc (09022015). Collection method: clinical testing. Allele origin: germline.
Comment: This sequence change replaces threonine, which is neutral and polar, with isoleucine, which is neutral and non-polar, at codon 559 of the BAP1 protein (p.Thr559Ile). The frequency data for this variant in the population databases is considered unreliable, as metrics indicate poor data quality at this position in the gnomAD database. This variant has not been reported in the literature in individuals affected with BAP1-related conditions. ClinVar contains an entry for this variant (Variation ID: 539926). Advanced modeling of protein sequence and biophysical properties (such as structural, functional, and spatial information, amino acid conservation, physicochemical variation, residue mobility, and thermodynamic stability) performed at Invitae indicates that this missense variant is not expected to disrupt BAP1 protein function. In summary, the available evidence is currently insufficient to determine the role of this variant in disease. Therefore, it has been classified as a Variant of Uncertain Significance.

NM_004656.4(BAP1):c.1676C>T (p.Thr559Ile)

Gene: BAP1 (BRCA1 associated deubiquitinase 1; minus strand). Cytogenetic location: 3p21.1.
Variant type: single nucleotide variant.
Coding change: c.1676C>T on transcript NM_004656.4 (MANE Select); coding-DNA position 1676, C replaced by T.
Protein change: p.Thr559Ile; replaces threonine 559 with isoleucine.
Molecular consequence: missense variant.
Genome position (GRCh38, 1-based): chr3:52,403,469, G>A on the plus strand (C>T on the coding strand, the complement: BAP1 is on the minus strand). VCF-style: chr3-52403469-G-A. GRCh37 (hg19) VCF-style: chr3-52437485-G-A.
Other names: short protein forms T559I.
Identifiers: ClinVar variation 539926 (VCV000539926.6), dbSNP rs1282721599, ClinGen allele CA353099922.
Genomic context (GRCh38, chr3:52,403,469, plus strand): 5'-GGCCCACCTGTCAGCGCCAGGGGACTCAGCACCCCATCCTCAGCCAGGTGCAGCAGGCCT[G>A]TGCTGATGACAGGACCCAGATCACGGACAGCACGGTTGTAGCGTATGCAGTCAACACGCA-3'
Protein context (NP_004647.1, residues 549-569): AVRDLGPVIS[Thr559Ile]GLLHLAEDGV